The following is an entry in ClinVar:

ClinVar aggregate classification (germline): Uncertain significance. Review status: criteria provided, multiple submitters, no conflicts (2 of 4 stars). 2 submissions from 2 submitters: Uncertain significance (2). Last evaluated 2025-01-24.

Conditions:
Inborn genetic diseases. Identifiers: MedGen C0950123, MeSH D030342.

Allele frequency attached by ClinVar (database versions not stated): gnomAD 0.00002; ExAC 0.00004; gnomAD exomes 0.00004; TOPMed 0.00007.
gnomAD v4.1: 73 of 1,614,070 alleles (0.0045%); highest among the groups gnomAD compares: Middle Eastern, 0.099%; no homozygotes.

Submissions (2):

Ambry Genetics
Classification: Uncertain significance for Inborn genetic diseases. Last evaluated: 2025-01-24. Review status: criteria provided, single submitter. Criteria: Ambry Variant Classification Scheme 2023. Collection method: clinical testing. Allele origin: germline.

Labcorp Genetics (formerly Invitae), Labcorp
Classification: Uncertain significance. Last evaluated: 2022-01-21. Review status: criteria provided, single submitter. Criteria: Invitae Variant Classification Sherloc (09022015). Collection method: clinical testing. Allele origin: germline.
Comment: This sequence change replaces serine, which is neutral and polar, with proline, which is neutral and non-polar, at codon 37 of the SLC4A11 protein (p.Ser37Pro). This variant is present in population databases (rs780336153, gnomAD 0.03%). This variant has not been reported in the literature in individuals affected with SLC4A11-related conditions. Algorithms developed to predict the effect of missense changes on protein structure and function are either unavailable or do not agree on the potential impact of this missense change (SIFT: "Deleterious"; PolyPhen-2: "Benign"; Align-GVGD: "Class C0"). In summary, the available evidence is currently insufficient to determine the role of this variant in disease. Therefore, it has been classified as a Variant of Uncertain Significance.

NM_001174089.2(SLC4A11):c.61T>C (p.Ser21Pro)

Gene: SLC4A11 (solute carrier family 4 member 11; minus strand). Cytogenetic location: 20p13.
Variant type: single nucleotide variant.
Coding change: c.61T>C on transcript NM_001174089.2 (MANE Select); coding-DNA position 61, T replaced by C.
Protein change: p.Ser21Pro; replaces serine 21 with proline.
Molecular consequence: missense variant. On other transcripts: non-coding transcript variant (3).
Genome position (GRCh38, 1-based): chr20:3,237,571, A>G on the plus strand (T>C on the coding strand, the complement: SLC4A11 is on the minus strand). VCF-style: chr20-3237571-A-G. GRCh37 (hg19) VCF-style: chr20-3218217-A-G.
Other names: c.190T>C, p.Ser64Pro (NM_001174090.2, NM_001400280.1); c.61T>C, p.Ser21Pro (NM_001363745.2); c.4T>C, p.Ser2Pro (NM_001400277.1, NM_001400278.1, NM_001400279.1); c.109T>C, p.Ser37Pro (NM_032034.4); c.109T>C (NM_032034.3); short protein forms S64P, S37P, S21P, S2P.
Identifiers: ClinVar variation 2137116 (VCV002137116.2), dbSNP rs780336153, ClinGen allele CA9742478.